The following is an entry in ClinVar:

ClinVar aggregate classification (germline): Likely pathogenic (1 of 4 stars; one submission).

Submission:

GeneDx
Classification: Likely pathogenic. Last evaluated: 2019-01-22. Review status: criteria provided, single submitter. Criteria: GeneDx Variant Classification (06012015). Collection method: clinical testing. Allele origin: germline. Affected: yes.
Comment: A variant that is likely pathogenic has been identified in the ASXL3 gene. The Y1338X variant has not been published as a pathogenic variant, nor has it been reported as a benign variant to our knowledge. The Y1338X nonsense variant is predicted to cause loss of normal protein function through protein truncation as the last 911 amino acid residues of the ASXL3 protein are lost. The Y1338X variant is not observed in large population cohorts (Lek et al., 2016). Therefore, this variant is likely pathogenic; however, the possibility that it is benign cannot be excluded.

NM_030632.3(ASXL3):c.4014C>G (p.Tyr1338Ter)

Gene: ASXL3 (ASXL transcriptional regulator 3; plus strand). Cytogenetic location: 18q12.1.
Variant type: single nucleotide variant.
Coding change: c.4014C>G on transcript NM_030632.3 (MANE Select); coding-DNA position 4014, C replaced by G.
Protein change: p.Tyr1338Ter; replaces tyrosine 1338 with a stop codon.
Molecular consequence: nonsense.
Genome position (GRCh38, 1-based): chr18:33,743,862, C>G. VCF-style: chr18-33743862-C-G. GRCh37 (hg19) VCF-style: chr18-31323826-C-G.
Other names: short protein forms Y1338*.
Identifiers: ClinVar variation 620564 (VCV000620564.1), dbSNP rs1568365439, ClinGen allele CA402189488.
Genomic context (GRCh38, chr18:33,743,862, plus strand): 5'-GGATGATAAGCAGTTACTAATATCAAGCAGCAGTGCTAGTAACTTAGTCTCCACTCAGTA[C>G]ACCTCTGTGCCAACTCCCTCCATCGGAAACAATTTGCCAAACCTCTCCACTAGCTCTGTC-3'